The following is an entry in ClinVar:

NM_000062.3(SERPING1):c.202_206del (p.Thr68fs)

Gene: SERPING1 (serpin family G member 1; plus strand). Cytogenetic location: 11q12.1.
Variant type: Deletion.
Coding change: c.202_206del on transcript NM_000062.3 (MANE Select); coding-DNA positions 202 to 206, 5 bases deleted (ACCAA; older notation c.202_206delACCAA).
Protein change: p.Thr68fs; shifts the reading frame from threonine 68.
Molecular consequence: frameshift variant.
Genome position (GRCh38, 1-based): chr11:57,600,029-57,600,033, ACCAA deleted; deleting any 5 consecutive bases within chr11:57,600,028-57,600,033 gives the same sequence; the c. name uses the placement nearest the transcript's 3' end. VCF-style (leftmost placement, unchanged base first): chr11-57600027-CAACCA-C. GRCh37 (hg19) VCF-style: chr11-57367500-CAACCA-C.
Other names: c.202_206del, p.Thr68fs (NM_001032295.2); short protein forms T68fs.
Identifiers: ClinVar variation 3728115 (VCV003728115.2).

ClinVar aggregate classification (germline): Pathogenic (1 of 4 stars; one submission).

Submission:

Labcorp Genetics (formerly Invitae), Labcorp
Classification: Pathogenic. Last evaluated: 2024-12-26. Review status: criteria provided, single submitter. Criteria: Invitae Variant Classification Sherloc (09022015). Collection method: clinical testing. Allele origin: germline.
Comment: This sequence change creates a premature translational stop signal (p.Thr68Leufs*12) in the SERPING1 gene. It is expected to result in an absent or disrupted protein product. Loss-of-function variants in SERPING1 are known to be pathogenic (PMID: 11112899, 24456027). This variant is not present in population databases (gnomAD no frequency). This variant has not been reported in the literature in individuals affected with SERPING1-related conditions. For these reasons, this variant has been classified as Pathogenic.

Literature cited by the submitters: PubMed 11112899; PubMed 24456027.